The following is an entry in ClinVar:

ClinVar aggregate classification (germline): Uncertain significance (1 of 4 stars; one submission).

Conditions:
Mitochondrial complex II deficiency, nuclear type 1. Also called: SUCCINATE CoQ REDUCTASE DEFICIENCY. Identifiers: Orphanet 3208, MedGen C5700310, MONDO:0100294, OMIM 252011.
Pheochromocytoma/paraganglioma syndrome 5. Also called: Paragangliomas 5; SDHA-Related Hereditary Paraganglioma-Pheochromocytoma Syndrome. Identifiers: Orphanet 29072, MedGen C3279992, MONDO:0013602, OMIM 614165.

Submission:

Labcorp Genetics (formerly Invitae), Labcorp
Classification: Uncertain significance for Pheochromocytoma/paraganglioma syndrome 5; Mitochondrial complex II deficiency, nuclear type 1. Last evaluated: 2024-11-27. Review status: criteria provided, single submitter. Criteria: Invitae Variant Classification Sherloc (09022015). Collection method: clinical testing. Allele origin: germline.
Comment: This sequence change replaces serine, which is neutral and polar, with asparagine, which is neutral and polar, at codon 530 of the SDHA protein (p.Ser530Asn). This variant is not present in population databases (gnomAD no frequency). This variant has not been reported in the literature in individuals affected with SDHA-related conditions. ClinVar contains an entry for this variant (Variation ID: 2954029). Invitae Evidence Modeling of protein sequence and biophysical properties (such as structural, functional, and spatial information, amino acid conservation, physicochemical variation, residue mobility, and thermodynamic stability) indicates that this missense variant is not expected to disrupt SDHA protein function with a negative predictive value of 95%. In summary, the available evidence is currently insufficient to determine the role of this variant in disease. Therefore, it has been classified as a Variant of Uncertain Significance.

NM_004168.4(SDHA):c.1589G>A (p.Ser530Asn)

Gene: SDHA (succinate dehydrogenase complex flavoprotein subunit A; plus strand). Cytogenetic location: 5p15.33.
Variant type: single nucleotide variant.
Coding change: c.1589G>A on transcript NM_004168.4 (MANE Select); coding-DNA position 1589, G replaced by A.
Protein change: p.Ser530Asn; replaces serine 530 with asparagine.
Molecular consequence: missense variant. On other transcripts: intron variant (1).
Genome position (GRCh38, 1-based): chr5:251,029, G>A. VCF-style: chr5-251029-G-A. GRCh37 (hg19) VCF-style: chr5-251144-G-A.
Other names: c.1445G>A, p.Ser482Asn (NM_001294332.2); c.1552-3364G>A (NM_001330758.2); short protein forms S530N, S482N.
Identifiers: ClinVar variation 2954029 (VCV002954029.3), dbSNP rs2477454668, ClinGen allele CA358998483.